The following is an entry in ClinVar:

NM_001103.4(ACTN2):c.1703C>T (p.Ala568Val)

Gene: ACTN2 (actinin alpha 2; plus strand). Cytogenetic location: 1q43.
Variant type: single nucleotide variant.
Coding change: c.1703C>T on transcript NM_001103.4 (MANE Select); coding-DNA position 1703, C replaced by T.
Protein change: p.Ala568Val; replaces alanine 568 with valine.
Molecular consequence: missense variant.
Genome position (GRCh38, 1-based): chr1:236,751,516, C>T. VCF-style: chr1-236751516-C-T. GRCh37 (hg19) VCF-style: chr1-236914816-C-T.
Other names: c.1703C>T, p.Ala568Val (NM_001278343.2); c.1079C>T, p.Ala360Val (NM_001278344.2); short protein forms A360V, A568V.
Identifiers: ClinVar variation 1010907 (VCV001010907.12), dbSNP rs776805533, ClinGen allele CA345385771.

ClinVar aggregate classification (germline): Uncertain significance. Review status: criteria provided, multiple submitters, no conflicts (2 of 4 stars). 2 submissions from 2 submitters: Uncertain significance (2). Last evaluated 2021-12-08.

Conditions:
Dilated cardiomyopathy 1AA (CMD1AA). Also called: CARDIOMYOPATHY, DILATED, 1AA, WITH OR WITHOUT LEFT VENTRICULAR NONCOMPACTION; CARDIOMYOPATHY, FAMILIAL HYPERTROPHIC, 23, WITH OR WITHOUT LEFT VENTRICULAR NONCOMPACTION; Cardiomyopathy, dilated, 1AA, with or without LVNC. Identifiers: Orphanet 154, MedGen C2677338, MONDO:0012808, OMIM 612158.
Primary familial hypertrophic cardiomyopathy (HCM). Identifiers: Orphanet 99739, MedGen C0949658, MeSH D024741, MONDO:0024573. Inheritance: Various modes of inheritance.
Cardiovascular phenotype. Identifiers: MedGen CN230736.

gnomAD v4.1: 1 of 1,614,102 alleles (0.000062%); highest among the groups gnomAD compares: Non-Finnish European, 0.000085%; no homozygotes.

Submissions (2):

Ambry Genetics
Classification: Uncertain significance for Cardiovascular phenotype. Last evaluated: 2021-12-08. Review status: criteria provided, single submitter. Criteria: Ambry Variant Classification Scheme 2023. Collection method: clinical testing. Allele origin: germline.
Comment: The p.A568V variant (also known as c.1703C>T), located in coding exon 15 of the ACTN2 gene, results from a C to T substitution at nucleotide position 1703. The alanine at codon 568 is replaced by valine, an amino acid with similar properties. This amino acid position is conserved. In addition, the in silico prediction for this alteration is inconclusive. Since supporting evidence is limited at this time, the clinical significance of this alteration remains unclear.

Labcorp Genetics (formerly Invitae), Labcorp
Classification: Uncertain significance for Primary familial hypertrophic cardiomyopathy; Dilated cardiomyopathy 1AA. Last evaluated: 2020-01-21. Review status: criteria provided, single submitter. Criteria: Invitae Variant Classification Sherloc (09022015). Collection method: clinical testing. Allele origin: germline.
Comment: In summary, the available evidence is currently insufficient to determine the role of this variant in disease. Therefore, it has been classified as a Variant of Uncertain Significance. Algorithms developed to predict the effect of sequence changes on RNA splicing suggest that this variant may create or strengthen a splice site, but this prediction has not been confirmed by published transcriptional studies. Algorithms developed to predict the effect of missense changes on protein structure and function are either unavailable or do not agree on the potential impact of this missense change (SIFT: "Deleterious"; PolyPhen-2: "Benign"; Align-GVGD: "Class C55"). This variant has not been reported in the literature in individuals with ACTN2-related conditions. This variant is not present in population databases (ExAC no frequency). This sequence change replaces alanine with valine at codon 568 of the ACTN2 protein (p.Ala568Val). The alanine residue is highly conserved and there is a small physicochemical difference between alanine and valine.